The following is an entry in ClinVar:

NM_000722.4(CACNA2D1):c.2048C>T (p.Pro683Leu)

Gene: CACNA2D1 (calcium voltage-gated channel auxiliary subunit alpha2delta 1; minus strand). Cytogenetic location: 7q21.11.
Variant type: single nucleotide variant.
Coding change: c.2048C>T on transcript NM_000722.4 (MANE Select); coding-DNA position 2048, C replaced by T.
Protein change: p.Pro683Leu; replaces proline 683 with leucine.
Molecular consequence: missense variant.
Genome position (GRCh38, 1-based): chr7:81,974,460, G>A on the plus strand (C>T on the coding strand, the complement: CACNA2D1 is on the minus strand). VCF-style: chr7-81974460-G-A. GRCh37 (hg19) VCF-style: chr7-81603776-G-A.
Other names: c.2084C>T, p.Pro695Leu (NM_001366867.1); short protein forms P683L, P695L.
Identifiers: ClinVar variation 1968873 (VCV001968873.5), dbSNP rs2484671165, ClinGen allele CA367892541.

ClinVar aggregate classification (germline): Uncertain significance (1 of 4 stars; one submission).

Conditions:
Brugada syndrome. Also called: Sudden Unexplained Death Syndrome; Sudden Unexplained Nocturnal Death Syndrome (SUNDS); Sudden unexpected nocturnal death syndrome; Sudden unexplained nocturnal death syndrome. Identifiers: Orphanet 130, MedGen C1142166, MONDO:0015263.

Allele frequency attached by ClinVar (database versions not stated): gnomAD exomes below 0.00001.
gnomAD v4.1: 1 of 1,479,202 alleles (0.000068%); highest among the groups gnomAD compares: Non-Finnish European, 0.000094%; no homozygotes.

Submission:

Labcorp Genetics (formerly Invitae), Labcorp
Classification: Uncertain significance for Brugada syndrome. Last evaluated: 2022-03-27. Review status: criteria provided, single submitter. Criteria: Invitae Variant Classification Sherloc (09022015). Collection method: clinical testing. Allele origin: germline.
Comment: In summary, the available evidence is currently insufficient to determine the role of this variant in disease. Therefore, it has been classified as a Variant of Uncertain Significance. Algorithms developed to predict the effect of missense changes on protein structure and function are either unavailable or do not agree on the potential impact of this missense change (SIFT: "Deleterious"; PolyPhen-2: "Benign"; Align-GVGD: "Class C0"). This variant has not been reported in the literature in individuals affected with CACNA2D1-related conditions. This variant is not present in population databases (gnomAD no frequency). This sequence change replaces proline, which is neutral and non-polar, with leucine, which is neutral and non-polar, at codon 683 of the CACNA2D1 protein (p.Pro683Leu).